The following is an entry in ClinVar:

NM_006363.6(SEC23B):c.1314+1G>T

Gene: SEC23B (SEC23 homolog B, COPII component; plus strand). Cytogenetic location: 20p11.23.
Variant type: single nucleotide variant.
Coding change: c.1314+1G>T on transcript NM_006363.6 (MANE Select); the canonical splice donor site of the intron after coding-DNA position 1314, G replaced by T.
Molecular consequence: splice donor variant.
Genome position (GRCh38, 1-based): chr20:18,532,745, G>T. VCF-style: chr20-18532745-G-T. GRCh37 (hg19) VCF-style: chr20-18513389-G-T.
Other names: c.1314+1G>T (NM_032986.5, NM_001172745.3, NM_032985.6); c.1260+1G>T (NM_001172746.3).
Identifiers: ClinVar variation 4785286 (VCV004785286.1).

ClinVar aggregate classification (germline): Likely pathogenic (1 of 4 stars; one submission).

Conditions:
Cowden syndrome 7 (CWS7). Identifiers: Orphanet 201, MedGen C4225179, MONDO:0014802, OMIM 616858.
Congenital dyserythropoietic anemia, type II (CDAN2). Also called: DYSERYTHROPOIETIC ANEMIA, HEMPAS TYPE. Identifiers: Orphanet 98873, MedGen C1306589, MONDO:0009134, OMIM 224100.

gnomAD v4.1: 3 of 1,611,060 alleles (0.00019%); highest among the groups gnomAD compares: Non-Finnish European, 0.00025%; no homozygotes.

Submission:

Labcorp Genetics (formerly Invitae), Labcorp
Classification: Likely pathogenic for Congenital dyserythropoietic anemia, type II; Cowden syndrome 7. Last evaluated: 2025-06-12. Review status: criteria provided, single submitter. Criteria: Invitae Variant Classification Sherloc (09022015). Collection method: clinical testing. Allele origin: germline.
Comment: This sequence change affects a donor splice site in intron 11 of the SEC23B gene. It is expected to disrupt RNA splicing. Variants that disrupt the donor or acceptor splice site typically lead to a loss of protein function (PMID: 16199547), and loss-of-function variants in SEC23B are known to be pathogenic (PMID: 19561605, 25044164). This variant is not present in population databases (gnomAD no frequency). This variant has not been reported in the literature in individuals affected with SEC23B-related conditions. Algorithms developed to predict the effect of sequence changes on RNA splicing suggest that this variant may disrupt the consensus splice site. In summary, the currently available evidence indicates that the variant is pathogenic, but additional data are needed to prove that conclusively. Therefore, this variant has been classified as Likely Pathogenic.

Literature cited by the submitters: PubMed 16199547; PubMed 19561605; PubMed 25044164.